The following is an entry in ClinVar:

ClinVar aggregate classification (germline): Pathogenic. Review status: criteria provided, single submitter (1 of 4 stars). 2 submissions from 2 submitters: Pathogenic (1). 1 of the submissions does not count toward it. Last evaluated 2023-10-03.

Conditions:
Juvenile onset Parkinson disease 19A. Also called: DNAJC6 Parkinson Disease; PARK19. Identifiers: Orphanet 391411, MedGen C3809811, MONDO:0014231, OMIM 615528.
Prostate cancer. Also called: Malignant tumor of prostate. Identifiers: Orphanet 1331, MedGen C0376358, MONDO:0008315, HP:0012125.

Allele frequency attached by ClinVar (database versions not stated): gnomAD below 0.00001.
gnomAD v4.1: 3 of 1,613,868 alleles (0.00019%); highest among the groups gnomAD compares: South Asian, 0.0011%; no homozygotes.

Submissions (2):

Labcorp Genetics (formerly Invitae), Labcorp
Classification: Pathogenic for Juvenile onset Parkinson disease 19A. Last evaluated: 2023-10-03. Review status: criteria provided, single submitter. Criteria: Invitae Variant Classification Sherloc (09022015). Collection method: clinical testing. Allele origin: germline.
Comment: This sequence change creates a premature translational stop signal (p.Arg152*) in the DNAJC6 gene. It is expected to result in an absent or disrupted protein product. Loss-of-function variants in DNAJC6 are known to be pathogenic (PMID: 22563501, 23211418, 26528954). This variant is not present in population databases (gnomAD no frequency). This variant has not been reported in the literature in individuals affected with DNAJC6-related conditions. ClinVar contains an entry for this variant (Variation ID: 219301). For these reasons, this variant has been classified as Pathogenic.

Prostate Cancer Research Center, Institute of Biosciences and Medical Technology, University of Tampere
Classification: Uncertain significance for Prostate cancer. Review status: no assertion criteria provided. Collection method: research. Allele origin: somatic. Affected: yes. Observed: 1 variant allele. Not counted in ClinVar's aggregate classification.

Literature cited by the submitters: PubMed 22563501 (cited by Labcorp Genetics (formerly Invitae), Labcorp); PubMed 23211418 (cited by Labcorp Genetics (formerly Invitae), Labcorp); PubMed 26528954 (cited by Labcorp Genetics (formerly Invitae), Labcorp).

NM_001256864.2(DNAJC6):c.454C>T (p.Arg152Ter)

Gene: DNAJC6 (DnaJ heat shock protein family (Hsp40) member C6; plus strand). Cytogenetic location: 1p31.3.
Variant type: single nucleotide variant.
Coding change: c.454C>T on transcript NM_001256864.2 (MANE Select); coding-DNA position 454, C replaced by T.
Protein change: p.Arg152Ter; replaces arginine 152 with a stop codon.
Molecular consequence: nonsense.
Genome position (GRCh38, 1-based): chr1:65,366,107, C>T. VCF-style: chr1-65366107-C-T. GRCh37 (hg19) VCF-style: chr1-65831790-C-T.
Other names: c.244C>T, p.Arg82Ter (NM_001256865.2); c.283C>T, p.Arg95Ter (NM_014787.4); short protein forms R82*, R152*, R95*.
Identifiers: ClinVar variation 219301 (VCV000219301.9), dbSNP rs864622011, ClinGen allele CA349119.